The following is an entry in ClinVar:

NM_005687.5(FARSB):c.-3A>G

Gene: FARSB (phenylalanyl-tRNA synthetase subunit beta; minus strand). Cytogenetic location: 2q36.1.
Variant type: single nucleotide variant.
Coding change: c.-3A>G on transcript NM_005687.5 (MANE Select); 3 bases upstream of the start codon, A replaced by G.
Molecular consequence: 5 prime UTR variant. On other transcripts: non-coding transcript variant (1).
Genome position (GRCh38, 1-based): chr2:222,656,076, T>C on the plus strand (A>G on the coding strand, the complement: FARSB is on the minus strand). VCF-style: chr2-222656076-T-C. GRCh37 (hg19) VCF-style: chr2-223520795-T-C.
Other names: c.-3A>G (NM_005687.4).
Identifiers: ClinVar variation 2651945 (VCV002651945.25), dbSNP rs199603071, ClinGen allele CA2136805.

ClinVar aggregate classification (germline): Likely benign. Review status: criteria provided, single submitter (1 of 4 stars). 2 submissions from 2 submitters: Likely benign (1). 1 of the submissions does not count toward it. Last evaluated 2026-06-01.

Conditions:
FARSB-related disorder. Also called: FARSB-related condition.

Allele frequency attached by ClinVar (database versions not stated): 1000 Genomes Project 30x 0.00047; 1000 Genomes Project 0.00060; gnomAD 0.00207; gnomAD exomes 0.00222; TOPMed 0.00224; ESP Exome Variant Server 0.00261.
gnomAD v4.1: 3,535 of 1,593,284 alleles (0.22%); highest among the groups gnomAD compares: Middle Eastern, 1.2%; 10 homozygotes.

Submissions (2):

CeGaT Center for Human Genetics Tuebingen
Classification: Likely benign. Last evaluated: 2026-06-01. Review status: criteria provided, single submitter. Criteria: CeGaT Center For Human Genetics Tuebingen Variant Classification Criteria Version 2. Collection method: clinical testing. Allele origin: germline. Affected: yes. Observed: 7 variant alleles.
Comment: FARSB: BP4, BS2

PreventionGenetics, part of Exact Sciences
Classification: Likely benign for FARSB-related condition. Last evaluated: 2019-04-29. Review status: no assertion criteria provided. Collection method: clinical testing. Allele origin: germline. Not counted in ClinVar's aggregate classification.
Comment: This variant is classified as likely benign based on ACMG/AMP sequence variant interpretation guidelines (Richards et al. 2015 PMID: 25741868, with internal and published modifications).